The following is an entry in ClinVar:

NM_016203.4(PRKAG2):c.1679-1G>A

Gene: PRKAG2 (protein kinase AMP-activated non-catalytic subunit gamma 2; minus strand). Cytogenetic location: 7q36.1.
Variant type: single nucleotide variant.
Coding change: c.1679-1G>A on transcript NM_016203.4 (MANE Select); the canonical splice acceptor site of the intron before coding-DNA position 1679, G replaced by A.
Molecular consequence: splice acceptor variant. On other transcripts: 3 prime UTR variant (7).
Genome position (GRCh38, 1-based): chr7:151,557,233, C>T on the plus strand (G>A on the coding strand, the complement: PRKAG2 is on the minus strand). VCF-style: chr7-151557233-C-T. GRCh37 (hg19) VCF-style: chr7-151254319-C-T.
Other names: c.*3109G>A (NM_001407021.1, NM_001407022.1, NM_001407036.1 and 4 more transcripts); c.1388-1G>A (NM_001407031.1); c.1391-1G>A (NM_001407030.1); c.1676-1G>A (NM_001407023.1); c.1361-1G>A (NM_001407032.1); c.1544-1G>A (NM_001407026.1, NM_001407027.1); c.1547-1G>A (NM_001040633.2, NM_001407024.1); c.1355-1G>A (NM_001407033.1); and 6 more.
Identifiers: ClinVar variation 1024342 (VCV001024342.9), dbSNP rs1563120287, ClinGen allele CA370070216.

ClinVar aggregate classification (germline): Uncertain significance (1 of 4 stars; one submission).

Conditions:
Lethal congenital glycogen storage disease of heart. Also called: PHOSPHORYLASE KINASE DEFICIENCY OF HEART; GLYCOGEN STORAGE DISEASE OF HEART. Identifiers: Orphanet 439854, MedGen C1849813, MONDO:0009867, OMIM 261740.

Allele frequency attached by ClinVar (database versions not stated): gnomAD exomes below 0.00001.
gnomAD v4.1: 1 of 1,614,112 alleles (0.000062%); highest among the groups gnomAD compares: Non-Finnish European, 0.000085%; no homozygotes.

Submission:

Labcorp Genetics (formerly Invitae), Labcorp
Classification: Uncertain significance for Lethal congenital glycogen storage disease of heart. Last evaluated: 2020-03-30. Review status: criteria provided, single submitter. Criteria: Invitae Variant Classification Sherloc (09022015). Collection method: clinical testing. Allele origin: germline.
Comment: The current clinical and genetic evidence is not sufficient to establish whether loss-of-function variants in PRKAG2 cause disease. In summary, the available evidence is currently insufficient to determine the role of this variant in disease. Therefore, it has been classified as a Variant of Uncertain Significance. This sequence change affects an acceptor splice site in intron 15 of the PRKAG2 gene. It is expected to disrupt RNA splicing and likely results in an absent or disrupted protein product. This variant is not present in population databases (ExAC no frequency). This variant has not been reported in the literature in individuals with PRKAG2-related conditions. Algorithms developed to predict the effect of sequence changes on RNA splicing suggest that this variant may disrupt the consensus splice site, but this prediction has not been confirmed by published transcriptional studies.